The following is an entry in ClinVar:

ClinVar aggregate classification (germline): Pathogenic (1 of 4 stars; one submission).

Conditions:
Familial X-linked hypophosphatemic vitamin D refractory rickets (XLHRD). Also called: X-Linked Hypophosphatemia; HYPOPHOSPHATEMIC VITAMIN D-RESISTANT RICKETS; Hypophosphatemic Rickets, X-Linked Dominant; Hypophosphatemia, vitamin D-resistant rickets; Vitamin D-resistant rickets, X-linked. Identifiers: Orphanet 89936, MedGen C0733682, MONDO:0010619, OMIM 307800.

Submission:

Victorian Clinical Genetics Services, Murdoch Childrens Research Institute
Classification: Pathogenic for Familial X-linked hypophosphatemic vitamin D refractory rickets. Last evaluated: 2023-07-17. Review status: criteria provided, single submitter. Criteria: ACMG Guidelines, 2015. Collection method: clinical testing. Allele origin: germline. Inheritance: X-linked dominant inheritance. Affected: yes.
Comment: Based on the classification scheme VCGS_Germline_v1.3.4, this variant is classified as Pathogenic. Following criteria are met: 0102 - Loss of function is a known mechanism of disease in this gene and is associated with X-linked dominant hypophosphatemic rickets (MIM#307800). (I) 0110 - This gene is associated with X-linked dominant disease. (I) 0115 - Variants in this gene are known to have variable expressivity (GeneReviews). (I) 0201 - Variant is predicted to cause nonsense-mediated decay (NMD) and loss of protein (premature termination codon is located at least 54 nucleotides upstream of the final exon-exon junction). (SP) 0251 - This variant is heterozygous. (I) 0301 - Variant is absent from gnomAD (both v2 and v3). (SP) 0701 - Other variants causing NMD comparable to the one identified in this case have very strong previous evidence for pathogenicity (DECIPHER). (SP) 0807 - This variant has no previous evidence of pathogenicity. (I) 0905 - No published segregation evidence has been identified for this variant. (I) 1007 - No published functional evidence has been identified for this variant. (I) Legend: (SP) - Supporting pathogenic, (I) - Information, (SB) - Supporting benign

NM_000444.6(PHEX):c.1972dup (p.Arg658fs)

Genes: PHEX (phosphate regulating endopeptidase X-linked; plus strand), PTCHD1-AS (PTCHD1 and PHEX antisense RNA; minus strand). Cytogenetic location: Xp22.11.
Variant type: Duplication.
Coding change: c.1972dup on transcript NM_000444.6 (MANE Select); coding-DNA position 1972, one base duplicated (A; older notation c.1972dupA).
Protein change: p.Arg658fs; shifts the reading frame from arginine 658.
Molecular consequence: frameshift variant. On other transcripts: non-coding transcript variant (1).
Genome position (GRCh38, 1-based): chrX:22,227,513, A duplicated. VCF-style (leftmost placement, unchanged base first): chrX-22227512-C-CA. GRCh37 (hg19) VCF-style: chrX-22245629-C-CA.
Other names: c.1972dup, p.Arg658fs (NM_001282754.2); short protein forms R658fs.
Identifiers: ClinVar variation 1805770 (VCV001805770.2), dbSNP rs2518676588, ClinGen allele CA923726175.